The following is an entry in ClinVar:

ClinVar aggregate classification (germline): Uncertain significance. Review status: criteria provided, multiple submitters, no conflicts (2 of 4 stars). 7 submissions from 7 submitters: Uncertain significance (7). Last evaluated 2026-05-28.

Conditions:
ALPK3-related disorder. Also called: ALPK3-related condition.
Cardiomyopathy, familial hypertrophic 27. Identifiers: MedGen C4748014, MONDO:0054838, OMIM 618052.
Cardiovascular phenotype. Identifiers: MedGen CN230736.

Allele frequency attached by ClinVar (database versions not stated): ExAC 0.00003; gnomAD exomes 0.00004 and 0.00013; TOPMed 0.00005; gnomAD 0.00006.

Submissions (7):

PreventionGenetics, part of Exact Sciences
Classification: Uncertain significance for ALPK3-related condition. Last evaluated: 2026-05-28. Review status: criteria provided, single submitter. Criteria: ACMG Guidelines, 2015. Collection method: clinical testing. Allele origin: germline.
Comment: The ALPK3 c.862C>T variant is predicted to result in the amino acid substitution p.Arg288Trp. This variant has been reported in the presence of a nonsense variant in ALPK3 (NM_020778.4: c.3781C>T, p.Arg1261*) in multiple individuals with hypertrophic cardiomyopathy (Busse et al. 2024. PubMed ID: 39606411; Qadir and Zucker. 2025. doi:10.1016/S0735-1097%2825%2904389-X). This variant is reported in 0.0093% of alleles in individuals of European (Non-Finnish) descent in gnomAD. At this time, the clinical significance of this variant is uncertain due to the absence of conclusive functional and genetic evidence.

GeneDx
Classification: Uncertain significance. Last evaluated: 2026-01-20. Review status: criteria provided, single submitter. Criteria: GeneDx Variant Classification Process June 2021. Collection method: clinical testing. Allele origin: germline. Affected: yes.
Comment: In silico analysis supports that this missense variant has a deleterious effect on protein structure/function; This variant is associated with the following publications: (PMID: 34263907)

Labcorp Genetics (formerly Invitae), Labcorp
Classification: Uncertain significance. Last evaluated: 2026-01-13. Review status: criteria provided, single submitter. Criteria: Invitae Variant Classification Sherloc (09022015). Collection method: clinical testing. Allele origin: germline.
Comment: This sequence change replaces arginine, which is basic and polar, with tryptophan, which is neutral and slightly polar, at codon 288 of the ALPK3 protein (p.Arg288Trp). This variant is present in population databases (rs201202701, gnomAD 0.008%). This variant has not been reported in the literature in individuals affected with ALPK3-related conditions. ClinVar contains an entry for this variant (Variation ID: 1040573). An algorithm developed to predict the effect of missense changes on protein structure and function (PolyPhen-2) suggests that this variant is likely to be disruptive. In summary, the available evidence is currently insufficient to determine the role of this variant in disease. Therefore, it has been classified as a Variant of Uncertain Significance.

Ambry Genetics
Classification: Uncertain significance for Cardiovascular phenotype. Last evaluated: 2024-10-27. Review status: criteria provided, single submitter. Criteria: Ambry Variant Classification Scheme 2023. Collection method: clinical testing. Allele origin: germline.
Comment: The p.R288W variant (also known as c.862C>T), located in coding exon 3 of the ALPK3 gene, results from a C to T substitution at nucleotide position 862. The arginine at codon 288 is replaced by tryptophan, an amino acid with dissimilar properties. This amino acid position is not well conserved in available vertebrate species. In addition, this alteration is predicted to be tolerated by in silico analysis. Based on the available evidence, the clinical significance of this variant remains unclear.

Victorian Clinical Genetics Services, Murdoch Childrens Research Institute
Classification: Uncertain significance for Cardiomyopathy, familial hypertrophic 27. Last evaluated: 2024-10-09. Review status: criteria provided, single submitter. Criteria: ACMG Guidelines, 2015. Collection method: clinical testing. Allele origin: germline. Inheritance: Autosomal recessive inheritance. Affected: yes.
Comment: Based on the classification scheme VCGS_Germline_v1.3.4, this variant is classified as VUS-3B. Following criteria are met: 0102 - Loss of function is a known mechanism of disease in this gene and is associated with familial hypertrophic cardiomyopathy 27 (MIM#618052). (I) 0106 - This gene is associated with autosomal recessive disease. (I) 0200 - Variant is predicted to result in a missense amino acid change from arginine to tryptophan. (I) 0251 - This variant is heterozygous. (I) 0304 - Variant is present in gnomAD (v2) <0.01 for a recessive condition (12 heterozygotes, 0 homozygotes). (SP) 0309 - An alternative amino acid change at the same position has been observed in gnomAD (v2) (8 heterozygotes, 0 homozygotes). (I) 0502 - Missense variant with conflicting in-silico predictions and uninformative conservation. (I) 0600 - Variant is located in the annotated Immunoglobulin I-set domain (NCBI). (I) 0705 - No comparable missense variants have previous evidence for pathogenicity. (I) 0809 - Previous evidence of pathogenicity for this variant is inconclusive. This variant has been reported as a VUS in ClinVar using an alternative transcript (NM_020778.5(ALPK3):c.256C>T; p.Arg86Trp). (I) 0905 - No published segregation evidence has been identified for this variant. (I) 1007 - No published functional evidence has been identified for this variant. (I) 1208 - Inheritance information for this variant is not currently available in this individual. (I) Legend: (SP) - Supporting pathogenic, (I) - Information, (SB) - Supporting benign

Blueprint Genetics
Classification: Uncertain significance. Last evaluated: 2024-03-05. Review status: criteria provided, single submitter. Criteria: ACMG Guidelines, 2015. Collection method: clinical testing. Allele origin: germline.

ARUP Laboratories, Molecular Genetics and Genomics, ARUP Laboratories
Classification: Uncertain significance for Cardiomyopathy, familial hypertrophic 27. Last evaluated: 2021-10-23. Review status: criteria provided, single submitter. Criteria: ARUP Molecular Germline Variant Investigation Process 2021. Collection method: clinical testing. Allele origin: germline.
Comment: The ALPK3 c.256C>T, p.Arg86Trp variant (rs201202701), to our knowledge, is not reported in the medical literature but is reported in ClinVar (Variation ID: 1040573). This variant is found in the non-Finnish European population with an allele frequency of 0.01% (12/129110 alleles) in the Genome Aggregation Database. The arginine at codon 86 is moderately conserved, and computational analyses predict that this variant is deleterious (REVEL: 0.248). However, given the lack of clinical and functional data, the significance of the Arg86Trp variant is uncertain at this time.

NM_020778.5(ALPK3):c.256C>T (p.Arg86Trp)

Gene: ALPK3 (alpha kinase 3; plus strand). Cytogenetic location: 15q25.3.
Variant type: single nucleotide variant.
Coding change: c.256C>T on transcript NM_020778.5 (MANE Select); coding-DNA position 256, C replaced by T.
Protein change: p.Arg86Trp; replaces arginine 86 with tryptophan.
Molecular consequence: missense variant.
Genome position (GRCh38, 1-based): chr15:84,827,557, C>T. VCF-style: chr15-84827557-C-T. GRCh37 (hg19) VCF-style: chr15-85370788-C-T.
Other names: short protein forms R86W.
Identifiers: ClinVar variation 1040573 (VCV001040573.27), dbSNP rs201202701, ClinGen allele CA7708906.